The following is an entry in ClinVar:

ClinVar aggregate classification (germline): Uncertain significance (1 of 4 stars; one submission).

Allele frequency attached by ClinVar (database versions not stated): TOPMed below 0.00001; ExAC 0.00001.
gnomAD v4.1: 4 of 1,613,988 alleles (0.00025%); highest among the groups gnomAD compares: Non-Finnish European, 0.00034%; no homozygotes.

Submission:

Women's Health and Genetics/Laboratory Corporation of America, LabCorp
Classification: Uncertain significance. Last evaluated: 2024-04-25. Review status: criteria provided, single submitter. Criteria: LabCorp Variant Classification Summary - May 2015. Collection method: clinical testing. Allele origin: germline.
Comment: Variant summary: DCHS1 c.7885G>A (p.Ala2629Thr) results in a non-conservative amino acid change located in the Cadherin-like domain (IPR002126) of the encoded protein sequence. Three of five in-silico tools predict a damaging effect of the variant on protein function. The variant allele was found at a frequency of 4e-06 in 251088 control chromosomes. The available data on variant occurrences in the general population are insufficient to allow any conclusion about variant significance. To our knowledge, no occurrence of c.7885G>A in individuals affected with DCHS1-Related Disorders and no experimental evidence demonstrating its impact on protein function have been reported. No submitters have cited clinical-significance assessments for this variant to ClinVar. Based on the evidence outlined above, the variant was classified as uncertain significance.

NM_003737.4(DCHS1):c.7885G>A (p.Ala2629Thr)

Gene: DCHS1 (dachsous cadherin-related 1; minus strand). Cytogenetic location: 11p15.4.
Variant type: single nucleotide variant.
Coding change: c.7885G>A on transcript NM_003737.4 (MANE Select); coding-DNA position 7885, G replaced by A.
Protein change: p.Ala2629Thr; replaces alanine 2629 with threonine.
Molecular consequence: missense variant.
Genome position (GRCh38, 1-based): chr11:6,623,791, C>T on the plus strand (G>A on the coding strand, the complement: DCHS1 is on the minus strand). VCF-style: chr11-6623791-C-T. GRCh37 (hg19) VCF-style: chr11-6645022-C-T.
Other names: short protein forms A2629T.
Identifiers: ClinVar variation 3251701 (VCV003251701.1), dbSNP rs777477554.